The following is an entry in ClinVar:

ClinVar aggregate classification (germline): Likely benign. Review status: criteria provided, multiple submitters, no conflicts (2 of 4 stars). 4 submissions from 4 submitters: Likely benign (4). Last evaluated 2026-03-09.

Conditions:
Cardiovascular phenotype. Identifiers: MedGen CN230736.
Hypertrophic cardiomyopathy. Also called: HYPERTROPHIC MYOCARDIOPATHY. Identifiers: Orphanet 217569, MedGen C0007194, MeSH D002312, MONDO:0005045, HP:0001639.
Cardiomyopathy (CMYO). Also called: Cardiomyopathies. Identifiers: Orphanet 167848, MedGen C0878544, MONDO:0004994, HP:0001638. Inheritance: Various modes of inheritance.

Allele frequency attached by ClinVar (database versions not stated): TOPMed below 0.00001; gnomAD 0.00001.

Submissions (4):

Ambry Genetics
Classification: Likely benign for Cardiovascular phenotype. Last evaluated: 2026-03-09. Review status: criteria provided, single submitter. Criteria: Ambry Variant Classification Scheme 2023. Collection method: clinical testing. Allele origin: germline.

All of Us Research Program, National Institutes of Health
Classification: Likely benign for Hypertrophic cardiomyopathy. Last evaluated: 2023-12-13. Review status: criteria provided, single submitter. Criteria: ACMG Guidelines, 2015. Collection method: clinical testing. Allele origin: germline. Inheritance: Autosomal dominant inheritance. Observed: 4 variant alleles, 4 heterozygotes.
Comment: This study involves interpretation of variants in research participants for the purpose of population health screening. Participant phenotype was not available at the time of variant classification. Additional details can be found in publication PMID: 35346344, PMCID: PMC8962531

Labcorp Genetics (formerly Invitae), Labcorp
Classification: Likely benign for Hypertrophic cardiomyopathy. Last evaluated: 2021-12-02. Review status: criteria provided, single submitter. Criteria: Invitae Variant Classification Sherloc (09022015). Collection method: clinical testing. Allele origin: germline.

Color Diagnostics, LLC DBA Color Health
Classification: Likely benign for Cardiomyopathy. Last evaluated: 2019-02-16. Review status: criteria provided, single submitter. Criteria: ACMG Guidelines, 2015. Collection method: clinical testing. Allele origin: germline.

NM_000363.5(TNNI3):c.226C>T (p.Leu76=)

Gene: TNNI3 (troponin I3, cardiac type; minus strand). Cytogenetic location: 19q13.42.
Variant type: single nucleotide variant.
Coding change: c.226C>T on transcript NM_000363.5 (MANE Select); coding-DNA position 226, C replaced by T.
Protein change: p.Leu76=; no amino-acid change (leucine 76 retained).
Molecular consequence: synonymous variant.
Genome position (GRCh38, 1-based): chr19:55,156,257, G>A on the plus strand (C>T on the coding strand, the complement: TNNI3 is on the minus strand). VCF-style: chr19-55156257-G-A. GRCh37 (hg19) VCF-style: chr19-55667625-G-A.
Identifiers: ClinVar variation 924314 (VCV000924314.11), dbSNP rs1336868426, ClinGen allele CA508989571.